The following is an entry in ClinVar:

ClinVar aggregate classification (germline): Uncertain significance (1 of 4 stars; one submission).

gnomAD v4.1: 2 of 1,614,188 alleles (0.00012%); highest among the groups gnomAD compares: African/African-American, 0.0013%; no homozygotes.

Submission:

GeneDx
Classification: Uncertain significance. Last evaluated: 2026-03-31. Review status: criteria provided, single submitter. Criteria: GeneDx Variant Classification Process June 2021. Collection method: clinical testing. Allele origin: germline.
Comment: Not observed at significant frequency in large population cohorts (gnomAD); In silico analysis suggests that this missense variant does not alter protein structure/function; Has not been previously published as pathogenic or benign to our knowledge

NM_020791.4(TAOK1):c.1153G>A (p.Glu385Lys)

Gene: TAOK1 (TAO kinase 1; plus strand). Cytogenetic location: 17q11.2.
Variant type: single nucleotide variant.
Coding change: c.1153G>A on transcript NM_020791.4 (MANE Select); coding-DNA position 1153, G replaced by A.
Protein change: p.Glu385Lys; replaces glutamic acid 385 with lysine.
Molecular consequence: missense variant.
Genome position (GRCh38, 1-based): chr17:29,498,471, G>A. VCF-style: chr17-29498471-G-A. GRCh37 (hg19) VCF-style: chr17-27825489-G-A.
Other names: c.1153G>A, p.Glu385Lys (NM_025142.1); short protein forms E385K.
Identifiers: ClinVar variation 5018043 (VCV005018043.1).
Genomic context (GRCh38, chr17:29,498,471, plus strand): 5'-AGCAGTAGTGTTAACAGTCTTCCAGATGTCTCAGATGACAAGAGTGAGCTAGACATGATG[G>A]AGGGAGACCACACAGTGATGTCTAACAGTTCTGTTATCCATTTAAAACCAGTGAGTATTT-3'
Protein context (NP_065842.1, residues 375-395): SDDKSELDMM[Glu385Lys]GDHTVMSNSS